The following is an entry in ClinVar:

NM_022124.6(CDH23):c.8792A>C (p.Asp2931Ala)

Gene: CDH23 (cadherin related 23; plus strand). Cytogenetic location: 10q22.1.
Variant type: single nucleotide variant.
Coding change: c.8792A>C on transcript NM_022124.6 (MANE Select); coding-DNA position 8792, A replaced by C.
Protein change: p.Asp2931Ala; replaces aspartic acid 2931 with alanine.
Molecular consequence: missense variant.
Genome position (GRCh38, 1-based): chr10:71,809,889, A>C. VCF-style: chr10-71809889-A-C. GRCh37 (hg19) VCF-style: chr10-73569646-A-C.
Other names: c.2072A>C, p.Asp691Ala (NM_001171933.1, NM_001171934.1); short protein forms D2931A, D691A.
Identifiers: ClinVar variation 162947 (VCV000162947.4), dbSNP rs727502934, ClinGen allele CA175524.
Genomic context (GRCh38, chr10:71,809,889, plus strand): 5'-ACGGCATTCTGCGCACCTTCGACCTCTTCATGGCCTACAGCCCCGGCTACTTCGTGGTGG[A>C]CATTGTGGCCCGAGACCTGGCAGGCCACAACGACACGGCCATCATCGGCATCTACATCCT-3'
Protein context (NP_071407.4, residues 2921-2941): MAYSPGYFVV[Asp2931Ala]IVARDLAGHN

ClinVar aggregate classification (germline): Uncertain significance (1 of 4 stars; one submission).

Submission:

Laboratory for Molecular Medicine, Mass General Brigham Personalized Medicine
Classification: Uncertain significance. Last evaluated: 2014-01-13. Review status: criteria provided, single submitter. Criteria: LMM Criteria. Collection method: clinical testing. Allele origin: germline. Observed: 1 variant allele.
Comment: The Asp2931Ala variant in CDH23 has not been previously reported in individuals with hearing loss and was absent from large population studies. Computational a nalyses (biochemical amino acid properties, conservation, AlignGVGD, PolyPhen2, and SIFT) do not provide strong support for or against an impact to the protein. In summary, additional information is needed to determine the clinical signific ance of this variant.